The following is an entry in ClinVar:

NM_001171.6(ABCC6):c.3542G>A (p.Gly1181Asp)

Gene: ABCC6 (ATP binding cassette subfamily C member 6; minus strand). Cytogenetic location: 16p13.11.
Variant type: single nucleotide variant.
Coding change: c.3542G>A on transcript NM_001171.6 (MANE Select); coding-DNA position 3542, G replaced by A.
Protein change: p.Gly1181Asp; replaces glycine 1181 with aspartic acid.
Molecular consequence: missense variant. On other transcripts: non-coding transcript variant (1).
Genome position (GRCh38, 1-based): chr16:16,161,529, C>T on the plus strand (G>A on the coding strand, the complement: ABCC6 is on the minus strand). VCF-style: chr16-16161529-C-T. GRCh37 (hg19) VCF-style: chr16-16255386-C-T.
Other names: c.3200G>A, p.Gly1067Asp (NM_001351800.1); short protein forms G1067D, G1181D.
Identifiers: ClinVar variation 3730850 (VCV003730850.4).

ClinVar aggregate classification (germline): Conflicting classifications of pathogenicity. Review status: criteria provided, conflicting classifications (1 of 4 stars). 3 submissions from 3 submitters: Likely pathogenic (1); Uncertain significance (2). Last evaluated 2025-01-17.

Conditions:
Autosomal recessive inherited pseudoxanthoma elasticum (PXE). Identifiers: Orphanet 758, MedGen CN032334, MONDO:0009925, OMIM 264800.

gnomAD v4.1: 5 of 1,613,978 alleles (0.00031%); highest among the groups gnomAD compares: Non-Finnish European, 0.00042%; no homozygotes.

Submissions (3):

Institute of Human Genetics, University of Leipzig Medical Center
Classification: Likely pathogenic for Autosomal recessive inherited pseudoxanthoma elasticum. Last evaluated: 2025-01-17. Review status: criteria provided, single submitter. Criteria: ACMG Guidelines, 2015. Collection method: clinical testing. Allele origin: unknown. Inheritance: Autosomal recessive inheritance. Affected: yes.
Comment: Criteria applied: PM1,PM3,PM2_SUP,PP3; Identified as compund heterozygous with NM_001171.6:c.105del

GeneDx
Classification: Uncertain significance. Last evaluated: 2024-08-13. Review status: criteria provided, single submitter. Criteria: GeneDx Variant Classification Process June 2021. Collection method: clinical testing. Allele origin: germline. Affected: yes.
Comment: In silico analysis indicates that this missense variant does not alter protein structure/function; Not observed at significant frequency in large population cohorts (gnomAD); This variant is associated with the following publications: (PMID: 34205333, 18513494)

Blueprint Genetics
Classification: Uncertain significance. Last evaluated: 2021-09-27. Review status: criteria provided, single submitter. Criteria: ACMG Guidelines, 2015. Collection method: clinical testing. Allele origin: germline.